The following is an entry in ClinVar:

NM_001393586.1(MYO7B):c.3960C>T (p.His1320=)

Gene: MYO7B (myosin VIIB; plus strand). Cytogenetic location: 2q14.3.
Variant type: single nucleotide variant.
Coding change: c.3960C>T on transcript NM_001393586.1 (MANE Select); coding-DNA position 3960, C replaced by T.
Protein change: p.His1320=; no amino-acid change (histidine 1320 retained).
Molecular consequence: synonymous variant.
Genome position (GRCh38, 1-based): chr2:127,624,233, C>T. VCF-style: chr2-127624233-C-T. GRCh37 (hg19) VCF-style: chr2-128381808-C-T.
Other names: c.3882C>T, p.His1294= (NM_001080527.2); c.441C>T, p.His147= (NM_001393594.1).
Identifiers: ClinVar variation 3060246 (VCV003060246.2), dbSNP rs13422424, ClinGen allele CA1861590.
Genomic context (GRCh38, chr2:127,624,233, plus strand): 5'-GAGCCAGCGCCAGTCACCCTGGCGCATCTACTTCCGGAAGGAATTCTTCACCCCCTGGCA[C>T]GACTCCCGGGAGGACCCTGTCAGCACCGAGCTTATTTACCGCCAAGTCCTCCGAGGAGTC-3'
Protein context (NP_001380515.1, residues 1310-1330): YFRKEFFTPW[His1320=]DSREDPVSTE

ClinVar aggregate classification (germline): Benign (0 of 4 stars; one submission).

Conditions:
MYO7B-related disorder. Also called: MYO7B-related condition.

Allele frequency attached by ClinVar (database versions not stated): TOPMed 0.14917; ESP Exome Variant Server 0.15109; gnomAD 0.15401; 1000 Genomes Project 30x 0.15740; 1000 Genomes Project 0.16294; ExAC 0.23785.
gnomAD v4.1: 271,859 of 1,595,164 alleles (17%); highest among the groups gnomAD compares: Middle Eastern, 27%; 24,143 homozygotes.

Submission:

PreventionGenetics, part of Exact Sciences
Classification: Benign for MYO7B-related condition. Last evaluated: 2019-10-21. Review status: no assertion criteria provided. Collection method: clinical testing. Allele origin: germline.
Comment: This variant is classified as benign based on ACMG/AMP sequence variant interpretation guidelines (Richards et al. 2015 PMID: 25741868, with internal and published modifications).